The following is an entry in ClinVar:

ClinVar aggregate classification (germline): Pathogenic (1 of 4 stars; one submission).

Conditions:
CHARGE syndrome (CHARGE). Also called: Hittner Hirsch Kreh syndrome; Coloboma, heart anomaly, choanal atresia, retardation, genital and ear anomalies; CHARGE association; Hall-Hittner syndrome; CHARGE ASSOCIATION--COLOBOMA, HEART ANOMALY, CHOANAL ATRESIA, RETARDATION, GENITAL AND EAR ANOMALIES. Identifiers: Orphanet 138, MedGen C0265354, MONDO:0008965.

Submission:

Genomic Diagnostic Laboratory, Division of Genomic Diagnostics, Children's Hospital of Philadelphia
Classification: Pathogenic for CHARGE syndrome. Last evaluated: 2016-09-05. Review status: criteria provided, single submitter. Criteria: DGD Variant Analysis Guidelines. Collection method: clinical testing. Allele origin: germline. Affected: yes. Observed: 1 variant allele.
Comment: Clinical Testing

NM_017780.4(CHD7):c.5235_5236dup (p.Tyr1746fs)

Gene: CHD7 (chromodomain helicase DNA binding protein 7; plus strand). Cytogenetic location: 8q12.2.
Variant type: Duplication.
Coding change: c.5235_5236dup on transcript NM_017780.4 (MANE Select); coding-DNA positions 5235 to 5236, 2 bases duplicated (GT; older notation c.5235_5236dupGT).
Protein change: p.Tyr1746fs; shifts the reading frame from tyrosine 1746.
Molecular consequence: frameshift variant. On other transcripts: intron variant (1).
Genome position (GRCh38, 1-based): chr8:60,848,539-60,848,540, GT duplicated; duplicating any 2 consecutive bases within chr8:60,848,538-60,848,540 gives the same sequence; the c. name uses the placement nearest the transcript's 3' end. VCF-style (leftmost placement, unchanged base first): chr8-60848537-C-CTG. GRCh37 (hg19) VCF-style: chr8-61761096-C-CTG.
Other names: c.5235_5236dup (LRG_176t1); c.1717-13690_1717-13689dup (NM_001316690.1); short protein forms Y1746fs.
Identifiers: ClinVar variation 267433 (VCV000267433.2), dbSNP rs886040994, ClinGen allele CA10602500.